The following is an entry in ClinVar:

NM_001384732.1(CPLANE1):c.3163A>T (p.Ser1055Cys)

Gene: CPLANE1 (ciliogenesis and planar polarity effector complex subunit 1; minus strand). Cytogenetic location: 5p13.2.
Variant type: single nucleotide variant.
Coding change: c.3163A>T on transcript NM_001384732.1 (MANE Select); coding-DNA position 3163, A replaced by T.
Protein change: p.Ser1055Cys; replaces serine 1055 with cysteine.
Molecular consequence: missense variant.
Genome position (GRCh38, 1-based): chr5:37,205,441, T>A on the plus strand (A>T on the coding strand, the complement: CPLANE1 is on the minus strand). VCF-style: chr5-37205441-T-A. GRCh37 (hg19) VCF-style: chr5-37205543-T-A.
Other names: c.3163A>T, p.Ser1055Cys (NM_023073.4); short protein forms S1055C.
Identifiers: ClinVar variation 1361316 (VCV001361316.8), dbSNP rs1266505643, ClinGen allele CA359515393.

ClinVar aggregate classification (germline): Uncertain significance (1 of 4 stars; one submission).

Submission:

Labcorp Genetics (formerly Invitae), Labcorp
Classification: Uncertain significance. Last evaluated: 2021-02-11. Review status: criteria provided, single submitter. Criteria: Invitae Variant Classification Sherloc (09022015). Collection method: clinical testing. Allele origin: germline.
Comment: In summary, the available evidence is currently insufficient to determine the role of this variant in disease. Therefore, it has been classified as a Variant of Uncertain Significance. Advanced modeling of protein sequence and biophysical properties (such as structural, functional, and spatial information, amino acid conservation, physicochemical variation, residue mobility, and thermodynamic stability) performed at Invitae indicates that this missense variant is not expected to disrupt CPLANE1 protein function. This variant has not been reported in the literature in individuals with CPLANE1-related conditions. This variant is not present in population databases (ExAC no frequency). This sequence change replaces serine with cysteine at codon 1055 of the CPLANE1 protein (p.Ser1055Cys). The serine residue is weakly conserved and there is a moderate physicochemical difference between serine and cysteine.